The following is an entry in ClinVar:

NM_003482.4(KMT2D):c.15143G>A (p.Arg5048His)

Gene: KMT2D (lysine methyltransferase 2D; minus strand). Cytogenetic location: 12q13.12.
Variant type: single nucleotide variant.
Coding change: c.15143G>A on transcript NM_003482.4 (MANE Select); coding-DNA position 15143, G replaced by A.
Protein change: p.Arg5048His; replaces arginine 5048 with histidine.
Molecular consequence: missense variant.
Genome position (GRCh38, 1-based): chr12:49,026,823, C>T on the plus strand (G>A on the coding strand, the complement: KMT2D is on the minus strand). VCF-style: chr12-49026823-C-T. GRCh37 (hg19) VCF-style: chr12-49420606-C-T.
Other names: short protein forms R5048H.
Identifiers: ClinVar variation 280132 (VCV000280132.42), dbSNP rs886041404, ClinGen allele CA10603305.

ClinVar aggregate classification (germline): Pathogenic/Likely pathogenic. Review status: criteria provided, multiple submitters, no conflicts (2 of 4 stars). 13 submissions from 13 submitters: Pathogenic (11); Likely pathogenic (1). 1 of the submissions does not count toward it. Last evaluated 2025-07-10.

Conditions:
KMT2D-related disorder. Also called: KMT2D-Related Disorders.
Choanal atresia-athelia-hypothyroidism-delayed puberty-short stature syndrome (BCAHH). Also called: BRANCHIAL ARCH ABNORMALITIES, CHOANAL ATRESIA, ATHELIA, HEARING LOSS, AND HYPOTHYROIDISM SYNDROME. Identifiers: Orphanet 589856, MedGen C5680310, MONDO:0035651, OMIM 620186.
Kabuki syndrome 1 (KABUK1). Also called: KMT2D-Related Kabuki Syndrome. Identifiers: Orphanet 2322, MedGen CN030661, MONDO:0007843, OMIM 147920.
Kabuki syndrome. Also called: NIIKAWA-KUROKI SYNDROME; Kabuki make-up syndrome. Identifiers: Orphanet 2322, MedGen C0796004, MONDO:0016512.

Submissions (13):

3billion
Classification: Pathogenic for Kabuki syndrome 1. Last evaluated: 2025-07-10. Review status: criteria provided, single submitter. Criteria: ACMG Guidelines, 2015. Collection method: clinical testing. Allele origin: germline. Affected: yes.
Comment: The variant is not observed in the gnomAD v4.1.0 dataset. Predicted Consequence/Location: Missense variant In silico tool predictions suggest damaging effect of the variant on gene or gene product [REVEL: 0.93 (>=0.6, sensitivity 0.68 and specificity 0.92)]. The same nucleotide change resulting in the same amino acid change has been previously reported as pathogenic/likely pathogenic with strong evidence (ClinVar ID: VCV000280132 /PMID: 23913813). The variant has been observed in at least two similarly affected unrelated individuals (PMID: 22126750, 23320472). A different missense change at the same codon (p.Arg5048Cys) has been reported as pathogenic/likely pathogenic with strong evidence (ClinVar ID: VCV000094180 /PMID: 21671394 /3billion dataset). Therefore, this variant is classified as Pathogenic according to the recommendation of ACMG/AMP guideline.

CeGaT Center for Human Genetics Tuebingen
Classification: Pathogenic. Last evaluated: 2024-04-01. Review status: criteria provided, single submitter. Criteria: CeGaT Center For Human Genetics Tuebingen Variant Classification Criteria Version 2. Collection method: clinical testing. Allele origin: germline. Affected: yes. Observed: 1 variant allele.
Comment: KMT2D: PS2:Very Strong, PM2, PM5, PS4:Moderate, PP3

Genetics Laboratory, UDIAT-Centre Diagnòstic, Hospital Universitari Parc Tauli
Classification: Pathogenic for Kabuki syndrome 1. Last evaluated: 2023-11-28. Review status: criteria provided, single submitter. Criteria: ACMG Guidelines, 2015. Collection method: clinical testing. Allele origin: unknown. Inheritance: Autosomal dominant inheritance. Affected: yes.
Comment: PS3_strong;PS4_moderate;PM1_moderate;PM2_supporting;PP4_supporting

New York Genome Center
Classification: Pathogenic for Kabuki syndrome 1; Choanal atresia-athelia-hypothyroidism-delayed puberty-short stature syndrome. Last evaluated: 2023-04-06. Review status: criteria provided, single submitter. Criteria: NYGC Assertion Criteria 2020. Collection method: clinical testing. Allele origin: de novo. Affected: yes. Observed: 1 variant allele, 1 heterozygote.
Comment: The c.15143G>A variant in KMT2D has previously been reported in multiple individuals with Kabuki syndrome [PMID: 23320472, 23913813, 27302555, 29304373,35599849, 36090579] and it has been deposited in ClinVar [ClinVar ID: 280132] as Pathogenic by multiple submitters with affectedness status provided. Thec.15143G>A variant is absent from population databases (gnomAD v2.1.1 and v3.1.2, TOPMed Freeze 8, All of Us), suggesting it is not a common benign variant in the populations represented in those databases. The c.15143G>A variant is located in exon 49 of this 55-exon gene and is predicted to replace an evolutionarily conserved arginine amino acid with histidine at position 5048 in the encoded protein. In silico predictions are in favor of the damaging effect for the p.(Arg5048His)variant [(CADD v1.6 = 34, REVEL = 0.932)]. Individuals carrying this variant has been reported in a study identifying DNA methylation episignatures specific to Kabukisyndrome [PMID: 35904121]. A different missense variant affecting the same amino acid residue (c.15142C>T: p.(Arg5048Cys)) has been reported in the literature [PMID: 21671394, 27302555] and ClinVar [ClinVar ID: 94180] in individuals with Kabuki syndrome. Based on available evidence this de novo heterozygous c.15143G>Ap.(Arg5048His) variant identified in KMT2D is classified as Pathogenic.

PreventionGenetics, part of Exact Sciences
Classification: Pathogenic for KMT2D-related condition. Last evaluated: 2023-02-02. Review status: criteria provided, single submitter. Criteria: ACMG Guidelines, 2015. Collection method: clinical testing. Allele origin: germline.
Comment: The KMT2D c.15143G>A variant is predicted to result in the amino acid substitution p.Arg5048His. This is a recurrent de novo variant that is reported to be causative for Kabuki Syndrome (Miyake et al. 2013. PubMed ID: 23913813; Butcher et al. 2017. PubMed ID: 28475860; Aref-Eshghi et al. 2018. PubMed ID: 29304373). This variant has not been reported in a large population database, indicating this variant is rare. Furthermore, an alternate nucleotide change affecting the same amino acid (p.Arg5048Cys) has also been reported to be causative for Kabuki Syndrome (Hannibal et al. 2011. PubMed ID: 21671394). In summary, the c.15143G>A (p.Arg5048His) variant is interpreted as pathogenic.

Baylor Genetics
Classification: Pathogenic for Kabuki syndrome 1. Last evaluated: 2022-08-08. Review status: criteria provided, single submitter. Criteria: ACMG Guidelines, 2015. Collection method: clinical testing. Allele origin: unknown.

Labcorp Genetics (formerly Invitae), Labcorp
Classification: Pathogenic for Kabuki syndrome. Last evaluated: 2022-03-04. Review status: criteria provided, single submitter. Criteria: Invitae Variant Classification Sherloc (09022015). Collection method: clinical testing. Allele origin: germline.
Comment: For these reasons, this variant has been classified as Pathogenic. This sequence change replaces arginine, which is basic and polar, with histidine, which is basic and polar, at codon 5048 of the KMT2D protein (p.Arg5048His). This variant disrupts the p.Arg5048 amino acid residue in KMT2D. Other variant(s) that disrupt this residue have been determined to be pathogenic (PMID: 27302555). This suggests that this residue is clinically significant, and that variants that disrupt this residue are likely to be disease-causing. Advanced modeling of protein sequence and biophysical properties (such as structural, functional, and spatial information, amino acid conservation, physicochemical variation, residue mobility, and thermodynamic stability) performed at Invitae indicates that this missense variant is expected to disrupt KMT2D protein function. ClinVar contains an entry for this variant (Variation ID: 280132). This missense change has been observed in individual(s) with clinical features of Kabuki syndrome (PMID: 23913813, 27302555, 28475860). In at least one individual the variant was observed to be de novo. This variant is not present in population databases (gnomAD no frequency).

GeneDx
Classification: Pathogenic. Last evaluated: 2021-12-15. Review status: criteria provided, single submitter. Criteria: GeneDx Variant Classification Process June 2021. Collection method: clinical testing. Allele origin: germline. Affected: yes.
Comment: Not observed at significant frequency in large population cohorts (Lek et al., 2016); In silico analysis supports that this missense variant has a deleterious effect on protein structure/function; Identified in a patients with Kabuki syndrome in published literature (Miyake et al., 2013; Makrythanasis et al., 2013; Bogershausen et al., 2016); This variant is associated with the following publications: (PMID: 23320472, 23913813, 29304373, 28475860, 30459467, 27302555)

Blueprint Genetics
Classification: Pathogenic for KMT2D-related disorders. Last evaluated: 2021-09-09. Review status: criteria provided, single submitter. Criteria: ACMG Guidelines, 2015. Collection method: clinical testing. Allele origin: germline. Affected: yes. Observed: 1 variant allele.

Center for Human Genetics, Inc
Classification: Likely pathogenic for Kabuki syndrome 1. Last evaluated: 2016-11-01. Review status: criteria provided, single submitter. Criteria: ACMG Guidelines, 2015. Collection method: clinical testing. Allele origin: germline. Affected: yes.

Juno Genomics, Hangzhou Juno Genomics, Inc
Classification: Pathogenic for Kabuki syndrome 1. Review status: criteria provided, single submitter. Criteria: ACMG Guidelines, 2015. Collection method: clinical testing. Allele origin: germline. Affected: yes.
Comment: Absent from controls (or at extremely low frequency if recessive) in Genome Aggregation Database, Exome Sequencing Project, 1000 Genomes Project, or Exome Aggregation Consortium.;Multiple lines of computational evidence support a deleterious effect on the gene or gene product (conservation, evolutionary, splicing impact, etc).;Missense variant in a gene that has a low rate of benign missense variation and where missense variants are a common mechanism of disease.;De novo (both maternity and paternity confirmed) in a patient with the disease and no family history.;The prevalence of the variant in affected individuals is significantly increased compared to the prevalence in controls.

Wangler Lab, Baylor College of Medicine
Classification: Pathogenic for Kabuki syndrome 1. Review status: criteria provided, single submitter. Criteria: ACMG Guidelines, 2015. Collection method: clinical testing. Allele origin: unknown. Affected: yes.
Comment: This missense KMT2D variant at c.15143G>A (p.R5048H) was discovered on exome through the Texome Project (R01HG011795). This variant has been reported in individuals with Kabuki syndrome 1 (PMID: 3913813, 27302555, 28475860, 29304373, 30459467). This variant has not been observed in gnomAD (PM2) and is predicted to be deleterious by multiple computational models (CADD: 31.000) (PP3). The evolutionary conservation of this residue is high. We classify this variant as pathogenic.

Molecular Genetics Laboratory, BC Children's and BC Women's Hospitals
Classification: Pathogenic for Kabuki syndrome 1. Last evaluated: 2016-09-30. Review status: no assertion criteria provided. Criteria: ACMG Guidelines, 2015. Collection method: clinical testing. Allele origin: de novo. Affected: yes. Not counted in ClinVar's aggregate classification.

Literature cited by the submitters: PubMed 21671394 (cited by 3billion); PubMed 23913813 (cited by 3 submitters); PubMed 23320472 (cited by 3billion and New York Genome Center); PubMed 22126750 (cited by 3billion); PubMed 27302555 (cited by 3 submitters); PubMed 29304373 (cited by New York Genome Center and Wangler Lab, Baylor College of Medicine); PubMed 35599849 (cited by New York Genome Center); PubMed 36090579 (cited by New York Genome Center); PubMed 28475860 (cited by Labcorp Genetics (formerly Invitae), Labcorp and Wangler Lab, Baylor College of Medicine); PubMed 3913813 (cited by Wangler Lab, Baylor College of Medicine); PubMed 30459467 (cited by Wangler Lab, Baylor College of Medicine).